The following is an entry in ClinVar:

NC_000002.11:g.(?_233195390)_(233201340_?)dup

Gene: DIS3L2 (DIS3 like 3'-5' exoribonuclease 2; plus strand). Cytogenetic location: 2q37.1.
Variant type: Duplication.
Identifiers: ClinVar variation 1376914 (VCV001376914.4).

ClinVar aggregate classification (germline): Uncertain significance (1 of 4 stars; one submission).

Conditions:
Perlman syndrome (PRLMNS). Identifiers: Orphanet 2849, MedGen C0796113, MONDO:0009965, OMIM 267000.

Submission:

Labcorp Genetics (formerly Invitae), Labcorp
Classification: Uncertain significance for Perlman syndrome. Last evaluated: 2023-04-08. Review status: criteria provided, single submitter. Criteria: Invitae Variant Classification Sherloc (09022015). Collection method: clinical testing. Allele origin: germline.
Comment: In summary, the available evidence is currently insufficient to determine the role of this variant in disease. Therefore, it has been classified as a Variant of Uncertain Significance. Experimental studies and prediction algorithms are not available or were not evaluated, and the functional significance of this variant is currently unknown. This variant has not been reported in the literature in individuals affected with DIS3L2-related conditions. This variant results in a copy number gain of the genomic region encompassing exon(s) 16-21 of the DIS3L2 gene. This region includes the termination codon of the gene. This copy number gain extends beyond the assayed region for this gene and therefore may encompass additional genes. As the precise location of this event is unknown, it may be in tandem or it may be located elsewhere in the genome.